The following is an entry in ClinVar:

NM_001376.5(DYNC1H1):c.6406-4G>C

Gene: DYNC1H1 (dynein cytoplasmic 1 heavy chain 1; plus strand). Cytogenetic location: 14q32.31.
Variant type: single nucleotide variant.
Coding change: c.6406-4G>C on transcript NM_001376.5 (MANE Select); 4 bases into the intron before coding-DNA position 6406, G replaced by C.
Molecular consequence: intron variant.
Genome position (GRCh38, 1-based): chr14:102,010,736, G>C. VCF-style: chr14-102010736-G-C. GRCh37 (hg19) VCF-style: chr14-102477073-G-C.
Identifiers: ClinVar variation 472545 (VCV000472545.20), dbSNP rs374602014, ClinGen allele CA7352621.

ClinVar aggregate classification (germline): Likely benign. Review status: criteria provided, multiple submitters, no conflicts (2 of 4 stars). 4 submissions from 4 submitters: Likely benign (4). Last evaluated 2025-11-22.

Conditions:
Charcot-Marie-Tooth disease axonal type 2O. Also called: CHARCOT-MARIE-TOOTH NEUROPATHY, AXONAL, TYPE 2O; CHARCOT-MARIE-TOOTH DISEASE, AXONAL, AUTOSOMAL DOMINANT, TYPE 2O; Charcot-Marie-Tooth Neuropathy Type 2O; Charcot-Marie-Tooth disease, axonal, type 20. Identifiers: Orphanet 284232, MedGen C3280220, MONDO:0013644, OMIM 614228.
Inborn genetic diseases. Identifiers: MedGen C0950123, MeSH D030342.

Allele frequency attached by ClinVar (database versions not stated): TOPMed 0.00002.
gnomAD v4.1: 42 of 1,612,278 alleles (0.0026%); highest among the groups gnomAD compares: Non-Finnish European, 0.0035%; no homozygotes.

Submissions (4):

Labcorp Genetics (formerly Invitae), Labcorp
Classification: Likely benign for Charcot-Marie-Tooth disease axonal type 2O. Last evaluated: 2025-11-22. Review status: criteria provided, single submitter. Criteria: Invitae Variant Classification Sherloc (09022015). Collection method: clinical testing. Allele origin: germline.

CeGaT Center for Human Genetics Tuebingen
Classification: Likely benign. Last evaluated: 2025-11-01. Review status: criteria provided, single submitter. Criteria: CeGaT Center For Human Genetics Tuebingen Variant Classification Criteria Version 2. Collection method: clinical testing. Allele origin: germline. Affected: yes. Observed: 1 variant allele.
Comment: DYNC1H1: BP4

Women's Health and Genetics/Laboratory Corporation of America, LabCorp
Classification: Likely benign. Last evaluated: 2025-04-30. Review status: criteria provided, single submitter. Criteria: LabCorp Variant Classification Summary - May 2015. Collection method: clinical testing. Allele origin: germline.

Ambry Genetics
Classification: Likely benign for Inborn genetic diseases. Last evaluated: 2021-05-26. Review status: criteria provided, single submitter. Criteria: Ambry Variant Classification Scheme 2023. Collection method: clinical testing. Allele origin: germline.